The following is an entry in ClinVar:

NM_000245.4(MET):c.1587C>T (p.Cys529=)

Gene: MET (MET proto-oncogene, receptor tyrosine kinase; plus strand). Cytogenetic location: 7q31.2.
Variant type: single nucleotide variant.
Coding change: c.1587C>T on transcript NM_000245.4 (MANE Select); coding-DNA position 1587, C replaced by T.
Protein change: p.Cys529=; no amino-acid change (cysteine 529 retained).
Molecular consequence: synonymous variant.
Genome position (GRCh38, 1-based): chr7:116,740,911, C>T. VCF-style: chr7-116740911-C-T. GRCh37 (hg19) VCF-style: chr7-116380965-C-T.
Other names: c.1587C>T, p.Cys529= (NM_001127500.3, NM_001324401.3); c.297C>T, p.Cys99= (NM_001324402.2).
Identifiers: ClinVar variation 2845323 (VCV002845323.4), dbSNP rs2116835345, ClinGen allele CA457215578.

ClinVar aggregate classification (germline): Conflicting classifications of pathogenicity. Review status: criteria provided, conflicting classifications (1 of 4 stars). 2 submissions from 2 submitters: Uncertain significance (1); Likely benign (1). Last evaluated 2026-04-10.

Conditions:
Renal cell carcinoma. Identifiers: Orphanet 217071, MedGen C0007134, MeSH D002292, MONDO:0005086, HP:0005584.
Hereditary cancer-predisposing syndrome. Also called: Hereditary neoplastic syndrome; Neoplastic Syndromes, Hereditary; Tumor predisposition; Hereditary Cancer Syndrome. Identifiers: Orphanet 140162, MedGen C0027672, MeSH D009386, MONDO:0015356.

Allele frequency attached by ClinVar (database versions not stated): gnomAD exomes below 0.00001.
gnomAD v4.1: 1 of 1,614,194 alleles (0.000062%); highest among the groups gnomAD compares: South Asian, 0.0011%; no homozygotes.

Submissions (2):

Ambry Genetics
Classification: Uncertain significance for Hereditary cancer-predisposing syndrome. Last evaluated: 2026-04-10. Review status: criteria provided, single submitter. Criteria: Ambry Variant Classification Scheme 2023. Collection method: clinical testing. Allele origin: germline.
Comment: The c.1587C>T variant (also known as p.C529C), located in coding exon 4 of the MET gene, results from a C to T substitution at nucleotide position 1587. This nucleotide substitution does not change the cysteine at codon 529. This nucleotide position is not well conserved in available vertebrate species. In silico splice site analysis for this alteration is inconclusive. Based on the available evidence, the clinical significance of this variant remains unclear.

Labcorp Genetics (formerly Invitae), Labcorp
Classification: Likely benign for Renal cell carcinoma. Last evaluated: 2023-08-04. Review status: criteria provided, single submitter. Criteria: Invitae Variant Classification Sherloc (09022015). Collection method: clinical testing. Allele origin: germline.